The following is an entry in ClinVar:

ClinVar aggregate classification (germline): Pathogenic (1 of 4 stars; one submission).

Conditions:
Tuberous sclerosis 1 (TSC1). Identifiers: Orphanet 805, MedGen C1854465, MONDO:0008612, OMIM 191100.

Submission:

Labcorp Genetics (formerly Invitae), Labcorp
Classification: Pathogenic for Tuberous sclerosis 1. Last evaluated: 2020-06-12. Review status: criteria provided, single submitter. Criteria: Invitae Variant Classification Sherloc (09022015). Collection method: clinical testing. Allele origin: germline.
Comment: For these reasons, this variant has been classified as Pathogenic. Loss-of-function variants in TSC1 are known to be pathogenic (PMID: 10227394, 17304050). This variant has not been reported in the literature in individuals with TSC1-related conditions. This variant is not present in population databases (ExAC no frequency). This sequence change creates a premature translational stop signal (p.Ser115Phefs*3) in the TSC1 gene. It is expected to result in an absent or disrupted protein product.

Literature cited by the submitters: PubMed 10227394; PubMed 17304050.

NM_000368.5(TSC1):c.344del (p.Ser115fs)

Gene: TSC1 (TSC complex subunit 1; minus strand). Cytogenetic location: 9q34.13.
Variant type: Deletion.
Coding change: c.344del on transcript NM_000368.5 (MANE Select); coding-DNA position 344, one base deleted (C; older notation c.344delC).
Protein change: p.Ser115fs; shifts the reading frame from serine 115.
Molecular consequence: frameshift variant. On other transcripts: 5 prime UTR variant (1), intron variant (1).
Genome position (GRCh38, 1-based): chr9:132,925,606, G deleted on the plus strand (C on the coding strand, the reverse complement: TSC1 is on the minus strand). VCF-style (leftmost placement, unchanged base first): chr9-132925605-AG-A. GRCh37 (hg19) VCF-style: chr9-135800992-AG-A.
Other names: c.344del, p.Ser115fs (NM_001162426.2); c.-20del (NM_001362177.2); c.210+1595del (NM_001162427.2); short protein forms S115fs.
Identifiers: ClinVar variation 1071239 (VCV001071239.7), dbSNP rs2132230501, ClinGen allele CA2499219740.